The following is an entry in ClinVar:

ClinVar aggregate classification (germline): Uncertain significance. Review status: criteria provided, multiple submitters, no conflicts (2 of 4 stars). 4 submissions from 4 submitters: Uncertain significance (3). 1 of the submissions does not count toward it. Last evaluated 2026-07-09.

Conditions:
Hereditary breast ovarian cancer syndrome. Also called: Hereditary breast and ovarian cancer; Hereditary breast and ovarian cancer syndrome (HBOC); Hereditary breast and/or ovarian cancer syndrome; Hereditary breast and ovarian cancer syndrome; Breast and ovarian cancer; BRCA1- and BRCA2-Associated Hereditary Breast and Ovarian Cancer. Identifiers: Orphanet 145, MedGen C0677776, MeSH D061325, MONDO:0003582. Disease mechanism: loss of function.
Bloom syndrome (BLM). Also called: Bloom-Torre-Machacek syndrome. Identifiers: Orphanet 125, MedGen C0005859, MONDO:0008876, OMIM 210900.
Hereditary cancer-predisposing syndrome. Also called: Tumor predisposition; Hereditary neoplastic syndrome; Neoplastic Syndromes, Hereditary; Hereditary Cancer Syndrome. Identifiers: Orphanet 140162, MedGen C0027672, MeSH D009386, MONDO:0015356.

Allele frequency attached by ClinVar (database versions not stated): ExAC 0.00001; gnomAD exomes below 0.00001.
gnomAD v4.1: 1 of 1,614,256 alleles (0.000062%); highest among the groups gnomAD compares: East Asian, 0.0022%; no homozygotes.

Submissions (4):

Ambry Genetics
Classification: Uncertain significance for Hereditary cancer-predisposing syndrome. Last evaluated: 2026-07-09. Review status: criteria provided, single submitter. Criteria: Ambry Variant Classification Scheme 2023. Collection method: clinical testing. Allele origin: germline.
Comment: The p.D240G variant (also known as c.719A>G), located in coding exon 2 of the BLM gene, results from an A to G substitution at nucleotide position 719. The aspartic acid at codon 240 is replaced by glycine, an amino acid with similar properties. This amino acid position is conserved. In addition, this alteration is predicted to be tolerated by in silico analysis. Based on the available evidence, the clinical significance of this variant remains unclear.

Labcorp Genetics (formerly Invitae), Labcorp
Classification: Uncertain significance for Bloom syndrome. Last evaluated: 2021-08-31. Review status: criteria provided, single submitter. Criteria: Invitae Variant Classification Sherloc (09022015). Collection method: clinical testing. Allele origin: germline.
Comment: This sequence change replaces aspartic acid with glycine at codon 240 of the BLM protein (p.Asp240Gly). The aspartic acid residue is weakly conserved and there is a moderate physicochemical difference between aspartic acid and glycine. This variant is present in population databases (rs757324067, ExAC 0.01%). This variant has not been reported in the literature in individuals affected with BLM-related conditions. Algorithms developed to predict the effect of missense changes on protein structure and function (SIFT, PolyPhen-2, Align-GVGD) all suggest that this variant is likely to be tolerated. In summary, the available evidence is currently insufficient to determine the role of this variant in disease. Therefore, it has been classified as a Variant of Uncertain Significance.

Cancer Genomics Group, Japanese Foundation For Cancer Research
Classification: Uncertain significance for Hereditary breast and ovarian cancer syndrome. Last evaluated: 2019-05-01. Review status: criteria provided, single submitter. Criteria: ACMG Guidelines, 2015. Collection method: research. Allele origin: germline. Affected: yes.

Natera, Inc.
Classification: Uncertain significance for Bloom syndrome. Last evaluated: 2020-09-16. Review status: no assertion criteria provided. Collection method: clinical testing. Allele origin: germline. Not counted in ClinVar's aggregate classification.

NM_000057.4(BLM):c.719A>G (p.Asp240Gly)

Gene: BLM (BLM RecQ like helicase; plus strand). Cytogenetic location: 15q26.1.
Variant type: single nucleotide variant.
Coding change: c.719A>G on transcript NM_000057.4 (MANE Select); coding-DNA position 719, A replaced by G.
Protein change: p.Asp240Gly; replaces aspartic acid 240 with glycine.
Molecular consequence: missense variant. On other transcripts: 5 prime UTR variant (1).
Genome position (GRCh38, 1-based): chr15:90,749,987, A>G. VCF-style: chr15-90749987-A-G. GRCh37 (hg19) VCF-style: chr15-91293217-A-G.
Other names: c.719A>G, p.Asp240Gly (NM_001287246.2, NM_001287247.2); c.-573A>G (NM_001287248.2); c.719A>G (NM_000057.2); short protein forms D240G.
Identifiers: ClinVar variation 830293 (VCV000830293.11), dbSNP rs757324067, ClinGen allele CA7738335.